The following is an entry in ClinVar:

ClinVar aggregate classification (germline): Likely benign. Review status: criteria provided, multiple submitters, no conflicts (2 of 4 stars). 2 submissions from 2 submitters: Likely benign (2). Last evaluated 2025-12-19.

Allele frequency attached by ClinVar (database versions not stated): gnomAD 0.00004; ExAC 0.00005; gnomAD exomes 0.00006.
gnomAD v4.1: 73 of 1,613,714 alleles (0.0045%); highest among the groups gnomAD compares: Middle Eastern, 0.017%; no homozygotes.

Submissions (2):

Labcorp Genetics (formerly Invitae), Labcorp
Classification: Likely benign. Last evaluated: 2025-12-19. Review status: criteria provided, single submitter. Criteria: Invitae Variant Classification Sherloc (09022015). Collection method: clinical testing. Allele origin: germline.

CeGaT Center for Human Genetics Tuebingen
Classification: Likely benign. Last evaluated: 2022-09-01. Review status: criteria provided, single submitter. Criteria: CeGaT Center For Human Genetics Tuebingen Variant Classification Criteria Version 2. Collection method: clinical testing. Allele origin: germline. Affected: yes. Observed: 1 variant allele.
Comment: LRRC8A: BP4, BP7

NM_019594.4(LRRC8A):c.600C>T (p.Thr200=)

Gene: LRRC8A (leucine rich repeat containing 8 VRAC subunit A; plus strand). Cytogenetic location: 9q34.11.
Variant type: single nucleotide variant.
Coding change: c.600C>T on transcript NM_019594.4 (MANE Select); coding-DNA position 600, C replaced by T.
Protein change: p.Thr200=; no amino-acid change (threonine 200 retained).
Molecular consequence: synonymous variant.
Genome position (GRCh38, 1-based): chr9:128,907,764, C>T. VCF-style: chr9-128907764-C-T. GRCh37 (hg19) VCF-style: chr9-131670043-C-T.
Other names: c.600C>T, p.Thr200= (NM_001127244.2, NM_001127245.2).
Identifiers: ClinVar variation 1565179 (VCV001565179.31), dbSNP rs368745794, ClinGen allele CA5270736.